The following is an entry in ClinVar:

NC_000020.10:g.(?_62044783)_(62159505_?)del

Genes: EEF1A2 (eukaryotic translation elongation factor 1 alpha 2; minus strand), KCNQ2 (potassium voltage-gated channel subfamily Q member 2; minus strand), PPDPF (pancreatic progenitor cell differentiation and proliferation factor; plus strand). Cytogenetic location: 20q13.33.
Variant type: Deletion.
Identifiers: ClinVar variation 3248236 (VCV003248236.1).

ClinVar aggregate classification (germline): Pathogenic (1 of 4 stars; one submission).

Conditions:
Developmental and epileptic encephalopathy. Identifiers: MedGen C5779964, MONDO:0100620.

Submission:

Labcorp Genetics (formerly Invitae), Labcorp
Classification: Pathogenic for Early-infantile DEE. Last evaluated: 2022-03-14. Review status: criteria provided, single submitter. Criteria: Invitae Variant Classification Sherloc (09022015). Collection method: clinical testing. Allele origin: unknown.
Comment: For these reasons, this variant has been classified as Pathogenic. This variant has not been reported in the literature in individuals affected with KCNQ2-related conditions. This variant is a gross deletion of the genomic region encompassing exon(s) 1-15 of the KCNQ2 gene, which includes the initiator codon. This deletion extends beyond the assayed region for this gene and therefore may encompass additional genes. It is expected to result in an absent or disrupted protein product. Loss-of-function variants in KCNQ2 are known to be pathogenic (PMID: 14534157, 23692823, 27779742).

Literature cited by the submitters: PubMed 14534157; PubMed 23692823; PubMed 27779742.